The following is an entry in ClinVar:

NM_020964.3(EPG5):c.135G>T (p.Glu45Asp)

Gene: EPG5 (ectopic P-granules 5 autophagy tethering factor; minus strand). Cytogenetic location: 18q21.1.
Variant type: single nucleotide variant.
Coding change: c.135G>T on transcript NM_020964.3 (MANE Select); coding-DNA position 135, G replaced by T.
Protein change: p.Glu45Asp; replaces glutamic acid 45 with aspartic acid.
Molecular consequence: missense variant.
Genome position (GRCh38, 1-based): chr18:45,955,267, C>A on the plus strand (G>T on the coding strand, the complement: EPG5 is on the minus strand). VCF-style: chr18-45955267-C-A. GRCh37 (hg19) VCF-style: chr18-43535233-C-A.
Other names: short protein forms E45D.
Identifiers: ClinVar variation 853349 (VCV000853349.9), dbSNP rs370173694, ClinGen allele CA8950003.

ClinVar aggregate classification (germline): Uncertain significance. Review status: criteria provided, multiple submitters, no conflicts (2 of 4 stars). 2 submissions from 2 submitters: Uncertain significance (2). Last evaluated 2023-04-04.

Conditions:
Inborn genetic diseases. Identifiers: MedGen C0950123, MeSH D030342.
Vici syndrome (VICIS). Identifiers: Orphanet 1493, MedGen C1855772, MONDO:0009452, OMIM 242840.

Allele frequency attached by ClinVar (database versions not stated): TOPMed 0.00002; ESP Exome Variant Server 0.00008; 1000 Genomes Project 0.00020; 1000 Genomes Project 30x 0.00031.
gnomAD v4.1: 10 of 1,614,110 alleles (0.00062%); highest among the groups gnomAD compares: African/African-American, 0.013%; no homozygotes.

Submissions (2):

Ambry Genetics
Classification: Uncertain significance for Inborn genetic diseases. Last evaluated: 2023-04-04. Review status: criteria provided, single submitter. Criteria: Ambry Variant Classification Scheme 2023. Collection method: clinical testing. Allele origin: germline.

Labcorp Genetics (formerly Invitae), Labcorp
Classification: Uncertain significance for Vici syndrome. Last evaluated: 2022-05-16. Review status: criteria provided, single submitter. Criteria: Invitae Variant Classification Sherloc (09022015). Collection method: clinical testing. Allele origin: germline.
Comment: This sequence change replaces glutamic acid, which is acidic and polar, with aspartic acid, which is acidic and polar, at codon 45 of the EPG5 protein (p.Glu45Asp). This variant is present in population databases (rs370173694, gnomAD 0.03%). This variant has not been reported in the literature in individuals affected with EPG5-related conditions. ClinVar contains an entry for this variant (Variation ID: 853349). Algorithms developed to predict the effect of missense changes on protein structure and function (SIFT, PolyPhen-2, Align-GVGD) all suggest that this variant is likely to be tolerated. In summary, the available evidence is currently insufficient to determine the role of this variant in disease. Therefore, it has been classified as a Variant of Uncertain Significance.